The following is an entry in ClinVar:

ClinVar aggregate classification (germline): Uncertain significance (1 of 4 stars; one submission).

Conditions:
Neurofibromatosis, type 1 (NF1). Also called: Peripheral type neurofibromatosis; VON RECKLINGHAUSEN DISEASE; NEUROFIBROMATOSIS, TYPE I, SOMATIC; Neurofibromatosis, type I. Identifiers: Orphanet 636, MedGen C0027831, MONDO:0018975, OMIM 162200. Disease mechanism: loss of function.

Allele frequency attached by ClinVar (database versions not stated): gnomAD exomes below 0.00001.
gnomAD v4.1: 1 of 1,614,124 alleles (0.000062%); highest among the groups gnomAD compares: South Asian, 0.0011%; no homozygotes.

Submission:

Labcorp Genetics (formerly Invitae), Labcorp
Classification: Uncertain significance for Neurofibromatosis, type 1. Last evaluated: 2022-09-20. Review status: criteria provided, single submitter. Criteria: Invitae Variant Classification Sherloc (09022015). Collection method: clinical testing. Allele origin: germline.
Comment: This variant has not been reported in the literature in individuals affected with NF1-related conditions. Advanced modeling of protein sequence and biophysical properties (such as structural, functional, and spatial information, amino acid conservation, physicochemical variation, residue mobility, and thermodynamic stability) performed at Invitae indicates that this missense variant is not expected to disrupt NF1 protein function. In summary, the available evidence is currently insufficient to determine the role of this variant in disease. Therefore, it has been classified as a Variant of Uncertain Significance. This variant is not present in population databases (gnomAD no frequency). This sequence change replaces lysine, which is basic and polar, with asparagine, which is neutral and polar, at codon 1345 of the NF1 protein (p.Lys1345Asn).

NM_001042492.3(NF1):c.4035G>C (p.Lys1345Asn)

Gene: NF1 (neurofibromin 1; plus strand). Cytogenetic location: 17q11.2.
Variant type: single nucleotide variant.
Coding change: c.4035G>C on transcript NM_001042492.3 (MANE Select); coding-DNA position 4035, G replaced by C.
Protein change: p.Lys1345Asn; replaces lysine 1345 with asparagine.
Molecular consequence: missense variant.
Genome position (GRCh38, 1-based): chr17:31,249,044, G>C. VCF-style: chr17-31249044-G-C. GRCh37 (hg19) VCF-style: chr17-29576062-G-C.
Other names: c.4035G>C, p.Lys1345Asn (NM_000267.4); short protein forms K1345N.
Identifiers: ClinVar variation 1718350 (VCV001718350.5), dbSNP rs2151451447, ClinGen allele CA398994939.
Genomic context (GRCh38, chr17:31,249,044, plus strand): 5'-GTTAGAACCATCAGAGAGCCTTGAGGAAAACCAGCGGAACCTCCTTCAGATGACTGAAAA[G>C]TTCTTCCATGCCATCATCAGTTCCTCCTCAGAATTCCCCCCTCAACTTCGAAGTGTGTGC-3'
Protein context (NP_001035957.1, residues 1335-1355): NQRNLLQMTE[Lys1345Asn]FFHAIISSSS